The following is an entry in ClinVar:

NM_016213.5(TRIP4):c.336_339del (p.Gln113fs)

Gene: TRIP4 (thyroid hormone receptor interactor 4; plus strand). Cytogenetic location: 15q22.31.
Variant type: Microsatellite.
Coding change: c.336_339del on transcript NM_016213.5 (MANE Select); coding-DNA positions 336 to 339, 4 bases deleted (ACAG; older notation c.336_339delACAG).
Protein change: p.Gln113fs; shifts the reading frame from glutamine 113.
Molecular consequence: frameshift variant. On other transcripts: 5 prime UTR variant (1), non-coding transcript variant (1).
Genome position (GRCh38, 1-based): chr15:64,395,462-64,395,465, ACAG deleted; deleting any 4 consecutive bases within chr15:64,395,458-64,395,465 gives the same sequence; the c. name uses the placement nearest the transcript's 3' end. VCF-style (leftmost placement, unchanged base first): chr15-64395457-AACAG-A. GRCh37 (hg19) VCF-style: chr15-64687656-AACAG-A.
Other names: c.-359ACAG[1] (NM_001321924.2); short protein forms Q113fs.
Identifiers: ClinVar variation 1323715 (VCV001323715.5), dbSNP rs1900263561, ClinGen allele CA2183114795.

ClinVar aggregate classification (germline): Pathogenic/Likely pathogenic. Review status: criteria provided, multiple submitters, no conflicts (2 of 4 stars). 2 submissions from 2 submitters: Pathogenic (1); Likely pathogenic (1). Last evaluated 2020-03-31.

Conditions:
Spinal muscular atrophy with congenital bone fractures 1 (SMABF1). Also called: SMA1 with congenital bone fractures. Identifiers: MedGen C4225177, MONDO:0014806, OMIM 616866.

Submissions (2):

Revvity Omics, Revvity
Classification: Pathogenic. Last evaluated: 2020-03-31. Review status: criteria provided, single submitter. Criteria: ACMG Guidelines, 2015. Collection method: clinical testing. Allele origin: germline.

Neuberg Centre For Genomic Medicine, NCGM
Classification: Likely pathogenic for Spinal muscular atrophy with congenital bone fractures 1. Review status: criteria provided, single submitter. Criteria: ACMG Guidelines, 2015. Collection method: clinical testing. Allele origin: germline. Inheritance: Autosomal recessive inheritance. Affected: yes.
Comment: The frameshift deletion p.Q113Kfs*30 in TRIP4 (NM_016213.5) has not been reported previously as a pathogenic variant nor as a benign variant, to our knowledge. The p.Q113Kfs*30 variant is novel (not in any individuals) in gnomAD Exomes and is novel (not in any individuals) in 1000 Genomes. This variant is predicted to cause loss of normal protein function through protein truncation caused a frameshift mutation. The frame shifted sequence continues 30 residues until a stop codon is reached. The p.Q113Kfs*30 variant is a loss of function variant in the gene TRIP4, which is intolerant of Loss of Function variants. For these reasons, this variant has been classified as Likely Pathogenic.